The following is an entry in ClinVar:

NM_006521.6(TFE3):c.1327C>G (p.Pro443Ala)

Gene: TFE3 (transcription factor binding to IGHM enhancer 3; minus strand). Cytogenetic location: Xp11.23.
Variant type: single nucleotide variant.
Coding change: c.1327C>G on transcript NM_006521.6 (MANE Select); coding-DNA position 1327, C replaced by G.
Protein change: p.Pro443Ala; replaces proline 443 with alanine.
Molecular consequence: missense variant.
Genome position (GRCh38, 1-based): chrX:49,030,559, G>C on the plus strand (C>G on the coding strand, the complement: TFE3 is on the minus strand). VCF-style: chrX-49030559-G-C. GRCh37 (hg19) VCF-style: chrX-48888070-G-C.
Other names: c.1012C>G, p.Pro338Ala (NM_001282142.2); short protein forms P338A, P443A.
Identifiers: ClinVar variation 3373534 (VCV003373534.1).
Genomic context (GRCh38, chrX:49,030,559, plus strand): 5'-GCTCTGGCTTGAGGCTGTCAGAAGCCGAAGTCGTGGCCAAGGAAAGCAGCCCTGGAGTGG[G>C]AGGTACTGGCAGGCCATGGATCTGGGCCTGCAGTTCTAGTTCCTGTAAAAAATAGGGGTT-3'
Protein context (NP_006512.2, residues 433-453): QAQIHGLPVP[Pro443Ala]TPGLLSLATT

ClinVar aggregate classification (germline): Uncertain significance (1 of 4 stars; one submission).

Submission:

GeneDx
Classification: Uncertain significance. Last evaluated: 2024-03-04. Review status: criteria provided, single submitter. Criteria: GeneDx Variant Classification Process June 2021. Collection method: clinical testing. Allele origin: germline. Affected: yes.
Comment: Not observed at significant frequency in large population cohorts (gnomAD); In silico analysis supports that this missense variant does not alter protein structure/function; Has not been previously published as pathogenic or benign to our knowledge